The following is an entry in ClinVar:

ClinVar aggregate classification (germline): Likely benign. Review status: criteria provided, single submitter (1 of 4 stars). 2 submissions from 2 submitters: Likely benign (1). 1 of the submissions does not count toward it. Last evaluated 2023-03-14.

Conditions:
PLXNA2-related disorder. Also called: PLXNA2-related condition.

Allele frequency attached by ClinVar (database versions not stated): gnomAD 0.00001 and 0.00004; TOPMed 0.00001; gnomAD exomes 0.00002 and 0.00005; ExAC 0.00007; 1000 Genomes Project 0.00040; 1000 Genomes Project 30x 0.00062.
gnomAD v4.1: 45 of 1,614,142 alleles (0.0028%); highest among the groups gnomAD compares: South Asian, 0.032%; 1 homozygote.

Submissions (2):

Labcorp Genetics (formerly Invitae), Labcorp
Classification: Likely benign. Last evaluated: 2023-03-14. Review status: criteria provided, single submitter. Criteria: Invitae Variant Classification Sherloc (09022015). Collection method: clinical testing. Allele origin: germline.

PreventionGenetics, part of Exact Sciences
Classification: Likely benign for PLXNA2-related condition. Last evaluated: 2022-11-28. Review status: no assertion criteria provided. Collection method: clinical testing. Allele origin: germline. Not counted in ClinVar's aggregate classification.
Comment: This variant is classified as likely benign based on ACMG/AMP sequence variant interpretation guidelines (Richards et al. 2015 PMID: 25741868, with internal and published modifications).

NM_025179.4(PLXNA2):c.5367G>A (p.Leu1789=)

Gene: PLXNA2 (plexin A2; minus strand). Cytogenetic location: 1q32.2.
Variant type: single nucleotide variant.
Coding change: c.5367G>A on transcript NM_025179.4 (MANE Select); coding-DNA position 5367, G replaced by A.
Protein change: p.Leu1789=; no amino-acid change (leucine 1789 retained).
Molecular consequence: synonymous variant.
Genome position (GRCh38, 1-based): chr1:208,028,901, C>T on the plus strand (G>A on the coding strand, the complement: PLXNA2 is on the minus strand). VCF-style: chr1-208028901-C-T. GRCh37 (hg19) VCF-style: chr1-208202246-C-T.
Other names: c.5367G>A (NM_025179.3).
Identifiers: ClinVar variation 1668154 (VCV001668154.10), dbSNP rs577510815, ClinGen allele CA1372576.
Genomic context (GRCh38, chr1:208,028,901, plus strand): 5'-GCTCTTGTAGCTGGGGATGTCCTTGGCATAGAGCAGCTTGTTGGAGGGGGAGTCCTTGCC[C>T]AGCCGGTGCTCTGACGTTGAACAAGAGTCCATGAAGGTCTGGGCCACCACAGAGAGGCAG-3'
Protein context (NP_079455.3, residues 1779-1799): MDSCSTSEHR[Leu1789=]GKDSPSNKLL